The following is an entry in ClinVar:

ClinVar aggregate classification (germline): Uncertain significance. Review status: criteria provided, multiple submitters, no conflicts (2 of 4 stars). 2 submissions from 2 submitters: Uncertain significance (2). Last evaluated 2024-05-14.

Conditions:
Deficiency of alpha-mannosidase (MANSA). Also called: Alpha-Mannosidosis; Mannosidosis, alpha-, types I and II; LYSOSOMAL ALPHA-D-MANNOSIDASE DEFICIENCY. Identifiers: Orphanet 61, MedGen C0024748, MONDO:0009561, OMIM 248500.

Allele frequency attached by ClinVar (database versions not stated): gnomAD exomes 0.00001; ExAC 0.00002; TOPMed 0.00006; ESP Exome Variant Server 0.00008.
gnomAD v4.1: 26 of 1,613,360 alleles (0.0016%); highest among the groups gnomAD compares: Non-Finnish European, 0.0016%; no homozygotes.

Submissions (2):

Blueprint Genetics
Classification: Uncertain significance. Last evaluated: 2024-05-14. Review status: criteria provided, single submitter. Criteria: ACMG Guidelines, 2015. Collection method: clinical testing. Allele origin: germline.

Labcorp Genetics (formerly Invitae), Labcorp
Classification: Uncertain significance for Deficiency of alpha-mannosidase. Last evaluated: 2022-06-28. Review status: criteria provided, single submitter. Criteria: Invitae Variant Classification Sherloc (09022015). Collection method: clinical testing. Allele origin: germline.
Comment: This sequence change replaces lysine, which is basic and polar, with asparagine, which is neutral and polar, at codon 487 of the MAN2B1 protein (p.Lys487Asn). This variant is present in population databases (rs142734279, gnomAD 0.002%). This variant has not been reported in the literature in individuals affected with MAN2B1-related conditions. Algorithms developed to predict the effect of missense changes on protein structure and function (SIFT, PolyPhen-2, Align-GVGD) all suggest that this variant is likely to be tolerated. In summary, the available evidence is currently insufficient to determine the role of this variant in disease. Therefore, it has been classified as a Variant of Uncertain Significance.

NM_000528.4(MAN2B1):c.1461A>C (p.Lys487Asn)

Gene: MAN2B1 (mannosidase alpha class 2B member 1; minus strand). Cytogenetic location: 19p13.13.
Variant type: single nucleotide variant.
Coding change: c.1461A>C on transcript NM_000528.4 (MANE Select); coding-DNA position 1461, A replaced by C.
Protein change: p.Lys487Asn; replaces lysine 487 with asparagine.
Molecular consequence: missense variant.
Genome position (GRCh38, 1-based): chr19:12,657,015, T>G on the plus strand (A>C on the coding strand, the complement: MAN2B1 is on the minus strand). VCF-style: chr19-12657015-T-G. GRCh37 (hg19) VCF-style: chr19-12767829-T-G.
Other names: c.1458A>C, p.Lys486Asn (NM_001173498.2); short protein forms K486N, K487N.
Identifiers: ClinVar variation 2160760 (VCV002160760.2), dbSNP rs142734279, ClinGen allele CA9226429.
Genomic context (GRCh38, chr19:12,657,015, plus strand): 5'-CGCCGTCTGGCTGAGCGGGCAGATGCTGATGTTTAGCTGTTGGCAAAAGGTGAAGTGATC[T>G]TTGAAGCCTCTGAGCCGCGCCAGCGCGTTGCTCAGAAGAACCTGCGGAAGAGCGCAAAGG-3'
Protein context (NP_000519.2, residues 477-497): SNALARLRGF[Lys487Asn]DHFTFCQQLN